The following is an entry in ClinVar:

NM_000090.4(COL3A1):c.1450G>A (p.Glu484Lys)

Gene: COL3A1 (collagen type III alpha 1 chain; plus strand). Cytogenetic location: 2q32.2.
Variant type: single nucleotide variant.
Coding change: c.1450G>A on transcript NM_000090.4 (MANE Select); coding-DNA position 1450, G replaced by A.
Protein change: p.Glu484Lys; replaces glutamic acid 484 with lysine.
Molecular consequence: missense variant.
Genome position (GRCh38, 1-based): chr2:188,994,826, G>A. VCF-style: chr2-188994826-G-A. GRCh37 (hg19) VCF-style: chr2-189859552-G-A.
Other names: short protein forms E484K.
Identifiers: ClinVar variation 632773 (VCV000632773.1), dbSNP rs1559056497, ClinGen allele CA349851942.

ClinVar aggregate classification (germline): Uncertain significance (1 of 4 stars; one submission).

Submission:

Women's Health and Genetics/Laboratory Corporation of America, LabCorp
Classification: Uncertain significance. Last evaluated: 2017-11-13. Review status: criteria provided, single submitter. Criteria: LabCorp Variant Classification Summary - May 2015. Collection method: clinical testing. Allele origin: germline.
Comment: Variant summary: The COL3A1 c.1450G>A (p.Glu484Lys) variant causes a missense change located in the Collagen triple helix repeat (IPR008160) (InterPro) involving the alteration of a conserved nucleotide. 2/4 in silico tools predict a benign outcome for this variant (SNPsandGO not captured due to low reliability index). This variant is absent in 245986 control chromosomes in gnomAD. The variant of interest has not, to our knowledge, been reported in affected individuals via publications and/or reputable databases/clinical diagnostic laboratories; nor evaluated for functional impact by in vivo/vitro studies. Because of the absence of clinical information and the lack of functional studies, the variant is classified as a variant of uncertain significance (VUS).